The following is an entry in ClinVar:

ClinVar aggregate classification (germline): Benign. Review status: criteria provided, multiple submitters, no conflicts (2 of 4 stars). 2 submissions from 2 submitters: Benign (2). Last evaluated 2026-09-01.

Allele frequency attached by ClinVar (database versions not stated): ESP Exome Variant Server 0.00715; gnomAD 0.00779 and 0.00782; TOPMed 0.00793; ExAC 0.00876; gnomAD exomes 0.00891; 1000 Genomes Project 30x 0.00484; 1000 Genomes Project 0.00499.
gnomAD v4.1: 17,070 of 1,613,680 alleles (1.1%); highest among the groups gnomAD compares: Middle Eastern, 1.7%; 118 homozygotes.

Submissions (2):

CeGaT Center for Human Genetics Tuebingen
Classification: Benign. Last evaluated: 2026-09-01. Review status: criteria provided, single submitter. Criteria: CeGaT Center For Human Genetics Tuebingen Variant Classification Criteria Version 2. Collection method: clinical testing. Allele origin: germline. Affected: yes. Observed: 28 variant alleles.
Comment: HSPA9: BP4, BP7, BS1, BS2

Labcorp Genetics (formerly Invitae), Labcorp
Classification: Benign. Last evaluated: 2019-12-31. Review status: criteria provided, single submitter. Criteria: Invitae Variant Classification Sherloc (09022015). Collection method: clinical testing. Allele origin: germline.

NM_004134.7(HSPA9):c.774G>A (p.Gln258=)

Gene: HSPA9 (heat shock protein family A (Hsp70) member 9; minus strand). Cytogenetic location: 5q31.2.
Variant type: single nucleotide variant.
Coding change: c.774G>A on transcript NM_004134.7 (MANE Select); coding-DNA position 774, G replaced by A.
Protein change: p.Gln258=; no amino-acid change (glutamine 258 retained).
Molecular consequence: synonymous variant.
Genome position (GRCh38, 1-based): chr5:138,567,106, C>T on the plus strand (G>A on the coding strand, the complement: HSPA9 is on the minus strand). VCF-style: chr5-138567106-C-T. GRCh37 (hg19) VCF-style: chr5-137902795-C-T.
Identifiers: ClinVar variation 778215 (VCV000778215.28), dbSNP rs41295717, ClinGen allele CA3430996.